The following is an entry in ClinVar:

NM_000368.5(TSC1):c.2244G>C (p.Gln748His)

Gene: TSC1 (TSC complex subunit 1; minus strand). Cytogenetic location: 9q34.13.
Variant type: single nucleotide variant.
Coding change: c.2244G>C on transcript NM_000368.5 (MANE Select); coding-DNA position 2244, G replaced by C.
Protein change: p.Gln748His; replaces glutamine 748 with histidine.
Molecular consequence: missense variant.
Genome position (GRCh38, 1-based): chr9:132,902,752, C>G on the plus strand (G>C on the coding strand, the complement: TSC1 is on the minus strand). VCF-style: chr9-132902752-C-G. GRCh37 (hg19) VCF-style: chr9-135778139-C-G.
Other names: c.2241G>C, p.Gln747His (NM_001162426.2); c.2091G>C, p.Gln697His (NM_001162427.2); c.1881G>C, p.Gln627His (NM_001362177.2); short protein forms Q627H, Q747H, Q697H, Q748H.
Identifiers: ClinVar variation 641798 (VCV000641798.8), dbSNP rs1588301930, ClinGen allele CA375359947.

ClinVar aggregate classification (germline): Uncertain significance (1 of 4 stars; one submission).

Conditions:
Tuberous sclerosis 1 (TSC1). Identifiers: Orphanet 805, MedGen C1854465, MONDO:0008612, OMIM 191100.

Submission:

Labcorp Genetics (formerly Invitae), Labcorp
Classification: Uncertain significance for Tuberous sclerosis 1. Last evaluated: 2025-12-22. Review status: criteria provided, single submitter. Criteria: Invitae Variant Classification Sherloc (09022015). Collection method: clinical testing. Allele origin: germline.
Comment: This sequence change replaces glutamine, which is neutral and polar, with histidine, which is basic and polar, at codon 748 of the TSC1 protein (p.Gln748His). This variant is not present in population databases (gnomAD no frequency). This variant has not been reported in the literature in individuals affected with TSC1-related conditions. ClinVar contains an entry for this variant (Variation ID: 641798). Invitae Evidence Modeling of protein sequence and biophysical properties (such as structural, functional, and spatial information, amino acid conservation, physicochemical variation, residue mobility, and thermodynamic stability) indicates that this missense variant is not expected to disrupt TSC1 protein function with a negative predictive value of 95%. In summary, the available evidence is currently insufficient to determine the role of this variant in disease. Therefore, it has been classified as a Variant of Uncertain Significance.